The following is an entry in ClinVar:

ClinVar aggregate classification (germline): Conflicting classifications of pathogenicity. Review status: criteria provided, conflicting classifications (1 of 4 stars). 7 submissions from 7 submitters: Uncertain significance (6); Likely benign (1). Last evaluated 2026-01-09.

Conditions:
Arrhythmogenic right ventricular dysplasia 2. Identifiers: MedGen C1832931.
Catecholaminergic polymorphic ventricular tachycardia 1. Also called: VENTRICULAR TACHYCARDIA, STRESS-INDUCED POLYMORPHIC 1; RYR2-Related Catecholaminergic Polymorphic Ventricular Tachycardia; VENTRICULAR TACHYCARDIA, CATECHOLAMINERGIC POLYMORPHIC, 1, WITH OR WITHOUT ATRIAL DYSFUNCTION AND/OR DILATED CARDIOMYOPATHY. Identifiers: Orphanet 3286, MedGen C1631597, MONDO:0011484, OMIM 604772.
Ventricular arrhythmias due to cardiac ryanodine receptor calcium release deficiency syndrome. Also called: Autosomal dominant cardiac arrhythmia (Kuhn). Identifiers: MedGen C5542154, MONDO:0020745, OMIM 115000.
Cardiovascular phenotype. Identifiers: MedGen CN230736.
Catecholaminergic polymorphic ventricular tachycardia (CVPT). Also called: Catecholamine-induced polymorphic ventricular tachycardia. Identifiers: Orphanet 3286, MedGen C5574922, MONDO:0017990.
Cardiomyopathy (CMYO). Also called: Cardiomyopathies. Identifiers: Orphanet 167848, MedGen C0878544, MONDO:0004994, HP:0001638. Inheritance: Various modes of inheritance.

Allele frequency attached by ClinVar (database versions not stated): TOPMed 0.00005; gnomAD 0.00007 and 0.00008; gnomAD exomes 0.00002 and 0.00009; ExAC 0.00002.
gnomAD v4.1: 139 of 1,608,282 alleles (0.0086%); highest among the groups gnomAD compares: Non-Finnish European, 0.011%; no homozygotes.

Submissions (7):

Labcorp Genetics (formerly Invitae), Labcorp
Classification: Uncertain significance for Catecholaminergic polymorphic ventricular tachycardia 1. Last evaluated: 2026-01-09. Review status: criteria provided, single submitter. Criteria: Invitae Variant Classification Sherloc (09022015). Collection method: clinical testing. Allele origin: germline.
Comment: This sequence change replaces isoleucine, which is neutral and non-polar, with valine, which is neutral and non-polar, at codon 2149 of the RYR2 protein (p.Ile2149Val). This variant is present in population databases (rs767258350, gnomAD 0.004%). This variant has not been reported in the literature in individuals affected with RYR2-related conditions. ClinVar contains an entry for this variant (Variation ID: 201262). Invitae Evidence Modeling of protein sequence and biophysical properties (such as structural, functional, and spatial information, amino acid conservation, physicochemical variation, residue mobility, and thermodynamic stability) has been performed for this missense variant. However, the output from this modeling did not meet the statistical confidence thresholds required to predict the impact of this variant on RYR2 protein function. In summary, the available evidence is currently insufficient to determine the role of this variant in disease. Therefore, it has been classified as a Variant of Uncertain Significance.

Color Diagnostics, LLC DBA Color Health
Classification: Likely benign for Cardiomyopathy. Last evaluated: 2025-11-04. Review status: criteria provided, single submitter. Criteria: ACMG Guidelines, 2015. Collection method: clinical testing. Allele origin: germline.

All of Us Research Program, National Institutes of Health
Classification: Uncertain significance for Catecholaminergic polymorphic ventricular tachycardia. Last evaluated: 2023-12-01. Review status: criteria provided, single submitter. Criteria: ACMG Guidelines, 2015. Collection method: clinical testing. Allele origin: germline. Inheritance: Autosomal dominant inheritance. Observed: 21 variant alleles, 21 heterozygotes.
Comment: This missense variant replaces isoleucine with valine at codon 2149 of the RYR2 protein. Computational prediction tools and conservation analyses are inconclusive regarding the impact of this variant on protein structure and function. Splice site prediction tools suggest that this variant may not impact RNA splicing. To our knowledge, functional studies have not been performed for this variant. This variant has not been reported in individuals affected with cardiovascular disorders in the literature. This variant has been identified in 7/279256 chromosomes in the general population by the Genome Aggregation Database (gnomAD). The available evidence is insufficient to determine the role of this variant in disease conclusively. Therefore, this variant is classified as a Variant of Uncertain Significance.

This study involves interpretation of variants in research participants for the purpose of population health screening. Participant phenotype was not available at the time of variant classification. Additional details can be found in publication PMID: 35346344, PMCID: PMC8962531

Ambry Genetics
Classification: Uncertain significance for Cardiovascular phenotype. Last evaluated: 2021-12-01. Review status: criteria provided, single submitter. Criteria: Ambry Variant Classification Scheme 2023. Collection method: clinical testing. Allele origin: germline.
Comment: The p.I2149V variant (also known as c.6445A>G), located in coding exon 42 of the RYR2 gene, results from an A to G substitution at nucleotide position 6445. The isoleucine at codon 2149 is replaced by valine, an amino acid with highly similar properties. This alteration has been reported in a whole exome sequencing (WES) cohort; however, clinical details were limited (Landstrom AP et al. Circ Arrhythm Electrophysiol, 2017 Apr;10:[ePub ahead of print]). This amino acid position is highly conserved in available vertebrate species. In addition, the in silico prediction for this alteration is inconclusive. Since supporting evidence is limited at this time, the clinical significance of this alteration remains unclear.

Fulgent Genetics
Classification: Uncertain significance for Ventricular arrhythmias due to cardiac ryanodine receptor calcium release deficiency syndrome; Catecholaminergic polymorphic ventricular tachycardia 1. Last evaluated: 2021-10-25. Review status: criteria provided, single submitter. Criteria: ACMG Guidelines, 2015. Collection method: clinical testing. Allele origin: unknown.

GeneDx
Classification: Uncertain significance. Last evaluated: 2019-09-16. Review status: criteria provided, single submitter. Criteria: GeneDx Variant Classification Process June 2021. Collection method: clinical testing. Allele origin: germline. Affected: yes.
Comment: Reported in a heterozygous individual who underwent clinical whole exome sequencing, however, clinical details regarding the indication for testing were not available (Landstrom et al., 2017); Reported in ClinVar as a variant of uncertain significance but additional evidence is not available (ClinVar Variant ID 201262; Landrum et al., 2016); Is not located in one of the three hot-spot regions of the RYR2 gene, where the majority of pathogenic missense variants occur (Medeiros-Domingo et al., 2009); In silico analysis, which includes protein predictors and evolutionary conservation, supports that this variant does not alter protein structure/function; This variant is associated with the following publications: (PMID: 28404607)

Stanford Center for Inherited Cardiovascular Disease, Stanford University
Classification: Uncertain significance. Last evaluated: 2014-03-15. Review status: criteria provided, single submitter. Criteria: ACMG Guidelines, 2015. Collection method: provider interpretation. Allele origin: germline.

Literature cited by the submitters: PubMed 28404607 (cited by Ambry Genetics).

NM_001035.3(RYR2):c.6445A>G (p.Ile2149Val)

Gene: RYR2 (ryanodine receptor 2; plus strand). Cytogenetic location: 1q43.
Variant type: single nucleotide variant.
Coding change: c.6445A>G on transcript NM_001035.3 (MANE Select); coding-DNA position 6445, A replaced by G.
Protein change: p.Ile2149Val; replaces isoleucine 2149 with valine.
Molecular consequence: missense variant.
Genome position (GRCh38, 1-based): chr1:237,631,431, A>G. VCF-style: chr1-237631431-A-G. GRCh37 (hg19) VCF-style: chr1-237794731-A-G.
Other names: p.I2149V:ATT>GTT; c.6445A>G, p.Ile2149Val (LRG_402t1); short protein forms I2149V.
Identifiers: ClinVar variation 201262 (VCV000201262.21), dbSNP rs767258350, ClinGen allele CA010160.